The following is an entry in ClinVar:

NC_000003.11:g.(?_81810516)_(81810678_?)del

Gene: GBE1 (1,4-alpha-glucan branching enzyme 1; minus strand). Cytogenetic location: 3p12.2.
Variant type: Deletion.
Identifiers: ClinVar variation 1076126 (VCV001076126.5).

ClinVar aggregate classification (germline): Pathogenic (1 of 4 stars; one submission).

Conditions:
Glycogen storage disease, type IV (GSD4). Also called: Glycogen storage disease due to glycogen branching enzyme deficiency; AMYLOPECTINOSIS; ANDERSEN DISEASE; BRANCHER DEFICIENCY; CIRRHOSIS, FAMILIAL, WITH DEPOSITION OF ABNORMAL GLYCOGEN; GBE1 DEFICIENCY. Identifiers: Orphanet 367, MedGen C0017923, MONDO:0009292, OMIM 232500.
Glycogen storage disease IV, classic hepatic. Also called: GSD IV, CLASSIC HEPATIC. Identifiers: MedGen C1856301.

Submission:

Labcorp Genetics (formerly Invitae), Labcorp
Classification: Pathogenic for Glycogen storage disease, type IV; Glycogen storage disease IV, classic hepatic. Last evaluated: 2022-04-08. Review status: criteria provided, single submitter. Criteria: Invitae Variant Classification Sherloc (09022015). Collection method: clinical testing. Allele origin: germline.
Comment: This variant is a gross deletion of the genomic region encompassing exon(s) 1 of the GBE1 gene, which includes the initiator codon. This deletion extends beyond the assayed region for this gene and therefore may encompass additional genes. It is expected to result in an absent or disrupted protein product. Loss-of-function variants in GBE1 are known to be pathogenic (PMID: 15452297, 20058079). This variant has not been reported in the literature in individuals affected with GBE1-related conditions. For these reasons, this variant has been classified as Pathogenic.

Literature cited by the submitters: PubMed 15452297; PubMed 20058079.